The following is an entry in ClinVar:

ClinVar aggregate classification (germline): Likely benign. Review status: criteria provided, multiple submitters, no conflicts (2 of 4 stars). 3 submissions from 3 submitters: Likely benign (3). Last evaluated 2025-04-30.

Conditions:
FOXI1-related disorder. Also called: FOXI1-related condition.

Allele frequency attached by ClinVar (database versions not stated): gnomAD 0.00013; TOPMed 0.00013; ExAC 0.00018.

Submissions (3):

PreventionGenetics, part of Exact Sciences
Classification: Likely benign for FOXI1-related condition. Last evaluated: 2025-04-30. Review status: criteria provided, single submitter. Criteria: ACMG Guidelines, 2015. Collection method: clinical testing. Allele origin: germline.
Comment: This variant is classified as likely benign based on ACMG/AMP sequence variant interpretation guidelines (Richards et al. 2015 PMID: 25741868, with internal and published modifications).

Labcorp Genetics (formerly Invitae), Labcorp
Classification: Likely benign. Last evaluated: 2025-03-26. Review status: criteria provided, single submitter. Criteria: Invitae Variant Classification Sherloc (09022015). Collection method: clinical testing. Allele origin: germline.

Blueprint Genetics
Classification: Likely benign. Last evaluated: 2024-10-15. Review status: criteria provided, single submitter. Criteria: ACMG Guidelines, 2015. Collection method: clinical testing. Allele origin: germline.

NM_012188.5(FOXI1):c.9C>A (p.Ser3=)

Gene: FOXI1 (forkhead box I1; plus strand). Cytogenetic location: 5q35.1.
Variant type: single nucleotide variant.
Coding change: c.9C>A on transcript NM_012188.5 (MANE Select); coding-DNA position 9, C replaced by A.
Protein change: p.Ser3=; no amino-acid change (serine 3 retained).
Molecular consequence: synonymous variant.
Genome position (GRCh38, 1-based): chr5:170,105,966, C>A. VCF-style: chr5-170105966-C-A. GRCh37 (hg19) VCF-style: chr5-169532970-C-A.
Other names: c.9C>A, p.Ser3= (NM_144769.4); c.9C>A (NM_012188.4).
Identifiers: ClinVar variation 2170436 (VCV002170436.6), dbSNP rs750881040, ClinGen allele CA3554928.